The following is an entry in ClinVar:

ClinVar aggregate classification (germline): Pathogenic (1 of 4 stars; one submission).

Conditions:
Neurofibromatosis, type 1 (NF1). Also called: Peripheral type neurofibromatosis; VON RECKLINGHAUSEN DISEASE; NEUROFIBROMATOSIS, TYPE I, SOMATIC; Neurofibromatosis, type I. Identifiers: Orphanet 636, MedGen C0027831, MONDO:0018975, OMIM 162200. Disease mechanism: loss of function.

Submission:

Labcorp Genetics (formerly Invitae), Labcorp
Classification: Pathogenic for Neurofibromatosis, type 1. Last evaluated: 2024-06-26. Review status: criteria provided, single submitter. Criteria: Invitae Variant Classification Sherloc (09022015). Collection method: clinical testing. Allele origin: germline.
Comment: This sequence change creates a premature translational stop signal (p.Met645Argfs*43) in the NF1 gene. It is expected to result in an absent or disrupted protein product. Loss-of-function variants in NF1 are known to be pathogenic (PMID: 10712197, 23913538). This variant is not present in population databases (gnomAD no frequency). This variant has not been reported in the literature in individuals affected with NF1-related conditions. For these reasons, this variant has been classified as Pathogenic.

Literature cited by the submitters: PubMed 10712197; PubMed 23913538.

NM_001042492.3(NF1):c.1934del (p.Met645fs)

Gene: NF1 (neurofibromin 1; plus strand). Cytogenetic location: 17q11.2.
Variant type: Deletion.
Coding change: c.1934del on transcript NM_001042492.3 (MANE Select); coding-DNA position 1934, one base deleted (T; older notation c.1934delT).
Protein change: p.Met645fs; shifts the reading frame from methionine 645.
Molecular consequence: frameshift variant.
Genome position (GRCh38, 1-based): chr17:31,225,183, T deleted. VCF-style (leftmost placement, unchanged base first): chr17-31225182-AT-A. GRCh37 (hg19) VCF-style: chr17-29552200-AT-A.
Other names: c.1934delT, p.Met645Argfs (NM_000267.4); short protein forms M645fs.
Identifiers: ClinVar variation 3656891 (VCV003656891.2).